The following is an entry in ClinVar:

ClinVar aggregate classification (germline): Uncertain significance. Review status: criteria provided, multiple submitters, no conflicts (2 of 4 stars). 2 submissions from 2 submitters: Uncertain significance (2). Last evaluated 2025-08-09.

Conditions:
Hereditary cancer-predisposing syndrome. Also called: Tumor predisposition; Neoplastic Syndromes, Hereditary; Hereditary neoplastic syndrome; Hereditary Cancer Syndrome. Identifiers: Orphanet 140162, MedGen C0027672, MeSH D009386, MONDO:0015356.
Hereditary nonpolyposis colorectal neoplasms. Identifiers: MedGen C0009405, MeSH D003123.

Submissions (2):

Labcorp Genetics (formerly Invitae), Labcorp
Classification: Uncertain significance for Hereditary nonpolyposis colorectal neoplasms. Last evaluated: 2025-08-09. Review status: criteria provided, single submitter. Criteria: Invitae Variant Classification Sherloc (09022015). Collection method: clinical testing. Allele origin: germline.
Comment: This sequence change replaces lysine, which is basic and polar, with glutamic acid, which is acidic and polar, at codon 324 of the MSH6 protein (p.Lys324Glu). This variant is not present in population databases (gnomAD no frequency). This variant has not been reported in the literature in individuals affected with MSH6-related conditions. Invitae Evidence Modeling of protein sequence and biophysical properties (such as structural, functional, and spatial information, amino acid conservation, physicochemical variation, residue mobility, and thermodynamic stability) indicates that this missense variant is not expected to disrupt MSH6 protein function with a negative predictive value of 95%. In summary, the available evidence is currently insufficient to determine the role of this variant in disease. Therefore, it has been classified as a Variant of Uncertain Significance.

Ambry Genetics
Classification: Uncertain significance for Hereditary cancer-predisposing syndrome. Last evaluated: 2025-07-28. Review status: criteria provided, single submitter. Criteria: Ambry Variant Classification Scheme 2023. Collection method: clinical testing. Allele origin: germline.
Comment: The p.K324E variant (also known as c.970A>G), located in coding exon 4 of the MSH6 gene, results from an A to G substitution at nucleotide position 970. The lysine at codon 324 is replaced by glutamic acid, an amino acid with similar properties. This amino acid position is conserved. In addition, the in silico prediction for this alteration is inconclusive. Based on the available evidence, the clinical significance of this variant remains unclear.

NM_000179.3(MSH6):c.970A>G (p.Lys324Glu)

Gene: MSH6 (mutS homolog 6; plus strand). Cytogenetic location: 2p16.3.
Variant type: single nucleotide variant.
Coding change: c.970A>G on transcript NM_000179.3 (MANE Select); coding-DNA position 970, A replaced by G.
Protein change: p.Lys324Glu; replaces lysine 324 with glutamic acid.
Molecular consequence: missense variant. On other transcripts: non-coding transcript variant (4), intron variant (1).
Genome position (GRCh38, 1-based): chr2:47,798,953, A>G. VCF-style: chr2-47798953-A-G. GRCh37 (hg19) VCF-style: chr2-48026092-A-G.
Other names: c.580A>G, p.Lys194Glu (NM_001281492.2); c.64A>G, p.Lys22Glu (NM_001281493.2, NM_001281494.2, NM_001406814.1 and 6 more transcripts); c.1066A>G, p.Lys356Glu (NM_001406795.1, NM_001406802.1); c.970A>G, p.Lys324Glu (NM_001406796.1, NM_001406798.1, NM_001406800.1 and 4 more transcripts); c.673A>G, p.Lys225Glu (NM_001406797.1, NM_001406801.1, NM_001406818.1 and 10 more transcripts); c.445A>G, p.Lys149Glu (NM_001406799.1, NM_001406806.1, NM_001406807.1); c.976A>G, p.Lys326Glu (NM_001406813.1); c.802A>G, p.Lys268Glu (NM_001406826.1); and 2 more; short protein forms K22E, K268E, K149E, K225E, K324E, K194E, K298E, K326E.
Identifiers: ClinVar variation 4111215 (VCV004111215.2).